The following is an entry in ClinVar:

ClinVar aggregate classification (germline): Likely benign. Review status: criteria provided, multiple submitters, no conflicts (2 of 4 stars). 2 submissions from 2 submitters: Likely benign (2). Last evaluated 2025-08-07.

Allele frequency attached by ClinVar (database versions not stated): gnomAD exomes 0.00003; TOPMed 0.00004; gnomAD 0.00005; ExAC 0.00006; ESP Exome Variant Server 0.00008.
gnomAD v4.1: 46 of 1,614,036 alleles (0.0028%); highest among the groups gnomAD compares: Middle Eastern, 0.016%; no homozygotes.

Submissions (2):

Labcorp Genetics (formerly Invitae), Labcorp
Classification: Likely benign. Last evaluated: 2025-08-07. Review status: criteria provided, single submitter. Criteria: Invitae Variant Classification Sherloc (09022015). Collection method: clinical testing. Allele origin: germline.

CeGaT Center for Human Genetics Tuebingen
Classification: Likely benign. Last evaluated: 2023-09-01. Review status: criteria provided, single submitter. Criteria: CeGaT Center For Human Genetics Tuebingen Variant Classification Criteria Version 2. Collection method: clinical testing. Allele origin: germline. Affected: yes. Observed: 1 variant allele.
Comment: KRT74: BP4, BP7

NM_175053.4(KRT74):c.192T>C (p.Ala64=)

Gene: KRT74 (keratin 74; minus strand). Cytogenetic location: 12q13.13.
Variant type: single nucleotide variant.
Coding change: c.192T>C on transcript NM_175053.4 (MANE Select); coding-DNA position 192, T replaced by C.
Protein change: p.Ala64=; no amino-acid change (alanine 64 retained).
Molecular consequence: synonymous variant.
Genome position (GRCh38, 1-based): chr12:52,573,586, A>G on the plus strand (T>C on the coding strand, the complement: KRT74 is on the minus strand). VCF-style: chr12-52573586-A-G. GRCh37 (hg19) VCF-style: chr12-52967370-A-G.
Identifiers: ClinVar variation 2643031 (VCV002643031.25), dbSNP rs371777605, ClinGen allele CA6584176.